The following is an entry in ClinVar:

NM_017777.4(MKS1):c.122A>T (p.Tyr41Phe)

Gene: MKS1 (MKS transition zone complex subunit 1; minus strand). Cytogenetic location: 17q22.
Variant type: single nucleotide variant.
Coding change: c.122A>T on transcript NM_017777.4 (MANE Select); coding-DNA position 122, A replaced by T.
Protein change: p.Tyr41Phe; replaces tyrosine 41 with phenylalanine.
Molecular consequence: missense variant. On other transcripts: 5 prime UTR variant (1).
Genome position (GRCh38, 1-based): chr17:58,218,688, T>A on the plus strand (A>T on the coding strand, the complement: MKS1 is on the minus strand). VCF-style: chr17-58218688-T-A. GRCh37 (hg19) VCF-style: chr17-56296049-T-A.
Other names: c.-390A>T (NM_001321268.2); c.122A>T, p.Tyr41Phe (NM_001321269.2, NM_001330397.2, NM_001411113.1); short protein forms Y41F.
Identifiers: ClinVar variation 3354143 (VCV003354143.1).

ClinVar aggregate classification (germline): Uncertain significance (0 of 4 stars; one submission).

Conditions:
MKS1-related disorder. Also called: MKS1-related condition; MKS1-related disorders. Identifiers: MedGen CN239382.

gnomAD v4.1: 1 of 1,613,862 alleles (0.000062%); highest among the groups gnomAD compares: South Asian, 0.0011%; no homozygotes.

Submission:

PreventionGenetics, part of Exact Sciences
Classification: Uncertain significance for MKS1-related condition. Last evaluated: 2024-03-15. Review status: no assertion criteria provided. Collection method: clinical testing. Allele origin: germline.
Comment: The MKS1 c.122A>T variant is predicted to result in the amino acid substitution p.Tyr41Phe. To our knowledge, this variant has not been reported in the literature. This variant is reported in 0.0033% of alleles in individuals of South Asian descent in gnomAD. At this time, the clinical significance of this variant is uncertain due to the absence of conclusive functional and genetic evidence.